The following is an entry in ClinVar:

NM_001318852.2(MAPK8IP3):c.710G>A (p.Ser237Asn)

Gene: MAPK8IP3 (mitogen-activated protein kinase 8 interacting protein 3; plus strand). Cytogenetic location: 16p13.3.
Variant type: single nucleotide variant.
Coding change: c.710G>A on transcript NM_001318852.2 (MANE Select); coding-DNA position 710, G replaced by A.
Protein change: p.Ser237Asn; replaces serine 237 with asparagine.
Molecular consequence: missense variant.
Genome position (GRCh38, 1-based): chr16:1,743,439, G>A. VCF-style: chr16-1743439-G-A. GRCh37 (hg19) VCF-style: chr16-1793440-G-A.
Other names: c.707G>A, p.Ser236Asn (NM_001040439.2, NM_015133.5, NM_033392.3); short protein forms S236N, S237N.
Identifiers: ClinVar variation 2580213 (VCV002580213.1), dbSNP rs1269719155, ClinGen allele CA394227333.

ClinVar aggregate classification (germline): Uncertain significance (1 of 4 stars; one submission).

Conditions:
Neurodevelopmental disorder with or without variable brain abnormalities; NEDBA. Also called: NEURODEVELOPMENTAL DISORDER WITH OR WITHOUT VARIABLE BRAIN ABNORMALITIES. Identifiers: MedGen C5193102, MONDO:0032755, OMIM 618443.

Submission:

Illumina Laboratory Services, Illumina
Classification: Uncertain significance for Neurodevelopmental disorder with or without variable brain abnormalities; NEDBA. Last evaluated: 2023-01-20. Review status: criteria provided, single submitter. Criteria: ICSLVariantClassificationCriteria RUGD 01 April 2020. Collection method: clinical testing. Allele origin: unknown.
Comment: The MAPK8IP3 c.710G>A (p.Ser237Asn) missense variant results in the substitution of serine at amino acid position 237 with asparagine. To our knowledge, this variant has not been reported in the peer-reviewed literature. This variant is not found in version 2.1.1 or version 3.1.2 of the Genome Aggregation Database. Multiple lines of computational evidence suggest no impact of the variant on the gene product. Based on the available evidence, the c.710G>A (p.Ser237Asn) variant is classified as a variant of uncertain significance for neurodevelopmental disorder with or without variable brain abnormalities.